The following is an entry in ClinVar:

NM_001042492.3(NF1):c.7739-12A>G

Gene: NF1 (neurofibromin 1; plus strand). Cytogenetic location: 17q11.2.
Variant type: single nucleotide variant.
Coding change: c.7739-12A>G on transcript NM_001042492.3 (MANE Select); 12 bases into the intron before coding-DNA position 7739, A replaced by G.
Molecular consequence: intron variant.
Genome position (GRCh38, 1-based): chr17:31,356,948, A>G. VCF-style: chr17-31356948-A-G. GRCh37 (hg19) VCF-style: chr17-29683966-A-G.
Other names: c.7676-12A>G (NM_000267.4).
Identifiers: ClinVar variation 1201392 (VCV001201392.13), dbSNP rs778057828, ClinGen allele CA8487657.

ClinVar aggregate classification (germline): Likely benign. Review status: criteria provided, multiple submitters, no conflicts (2 of 4 stars). 5 submissions from 5 submitters: Likely benign (5). Last evaluated 2026-05-14.

Conditions:
Neurofibromatosis, type 1 (NF1). Also called: Peripheral type neurofibromatosis; VON RECKLINGHAUSEN DISEASE; Neurofibromatosis, type I; NEUROFIBROMATOSIS, TYPE I, SOMATIC. Identifiers: Orphanet 636, MedGen C0027831, MONDO:0018975, OMIM 162200. Disease mechanism: loss of function.

Allele frequency attached by ClinVar (database versions not stated): ExAC 0.00002; gnomAD exomes 0.00002; gnomAD 0.00003 and 0.00004.
gnomAD v4.1: 27 of 1,613,594 alleles (0.0017%); highest among the groups gnomAD compares: Middle Eastern, 0.016%; no homozygotes.

Submissions (5):

Myriad Genetics, Inc.
Classification: Likely benign for Neurofibromatosis, type 1. Last evaluated: 2026-05-14. Review status: criteria provided, single submitter. Criteria: Myriad Autosomal Dominant, Autosomal Recessive and X-Linked Classification Criteria (2023). Collection method: clinical testing. Allele origin: unknown.
Comment: This variant is considered likely benign. This variant is intronic and is not expected to impact mRNA splicing.

Labcorp Genetics (formerly Invitae), Labcorp
Classification: Likely benign for Neurofibromatosis, type 1. Last evaluated: 2026-02-01. Review status: criteria provided, single submitter. Criteria: Invitae Variant Classification Sherloc (09022015). Collection method: clinical testing. Allele origin: germline.

Blueprint Genetics
Classification: Likely benign. Last evaluated: 2024-04-05. Review status: criteria provided, single submitter. Criteria: ACMG Guidelines, 2015. Collection method: clinical testing. Allele origin: germline.

Genome-Nilou Lab
Classification: Likely benign for Neurofibromatosis, type 1. Last evaluated: 2022-03-15. Review status: criteria provided, single submitter. Criteria: ACMG Guidelines, 2015. Collection method: clinical testing. Allele origin: germline. Affected: no.

GeneDx
Classification: Likely benign. Last evaluated: 2021-07-26. Review status: criteria provided, single submitter. Criteria: GeneDx Variant Classification Process June 2021. Collection method: clinical testing. Allele origin: germline. Affected: yes.